The following is an entry in ClinVar:

NM_015981.4(CAMK2A):c.1142+13G>A

Gene: CAMK2A (calcium/calmodulin dependent protein kinase II alpha; minus strand). Cytogenetic location: 5q32.
Variant type: single nucleotide variant.
Coding change: c.1142+13G>A on transcript NM_015981.4 (MANE Select); 13 bases into the intron after coding-DNA position 1142, G replaced by A.
Molecular consequence: intron variant.
Genome position (GRCh38, 1-based): chr5:150,231,292, C>T on the plus strand (G>A on the coding strand, the complement: CAMK2A is on the minus strand). VCF-style: chr5-150231292-C-T. GRCh37 (hg19) VCF-style: chr5-149610855-C-T.
Other names: c.1109+13G>A (NM_001363990.1, NM_171825.3, NM_001369025.2); c.1142+13G>A (NM_001363989.1).
Identifiers: ClinVar variation 3376446 (VCV003376446.1).

ClinVar aggregate classification (germline): Uncertain significance (1 of 4 stars; one submission).

Conditions:
Intellectual developmental disorder, autosomal dominant 53. Also called: MENTAL RETARDATION, AUTOSOMAL DOMINANT 53; Intellectual disability, autosomal dominant 53. Identifiers: MedGen C4540481, MONDO:0030919, OMIM 617798.

gnomAD v4.1: 2 of 1,540,164 alleles (0.00013%); highest among the groups gnomAD compares: South Asian, 0.0012%; no homozygotes.

Submission:

Pittsburgh Clinical Genomics Laboratory, University of Pittsburgh Medical Center
Classification: Uncertain significance for Intellectual developmental disorder, autosomal dominant 53. Last evaluated: 2024-06-04. Review status: criteria provided, single submitter. Criteria: ACMG Guidelines, 2015. Collection method: clinical testing. Allele origin: germline. Inheritance: Autosomal dominant inheritance. Affected: yes.
Comment: This sequence variant is a single nucleotide substitution (G>A) at the +13 position downstream of exon 16 of the CAMK2A gene. This variant is absent from ClinVar and has not been observed in individuals affected by CAMK2A-related conditions in the published literature, to our knowledge. This variant is present in 2 of 1540164 alleles (0.00013%) in the gnomAD v4.1.0 population dataset. Predictions from bioinformatic tools suggest that this nucleotide change will not affect splicing, and the nucleotide at this position is moderately conserved across the vertebrate species examined. Studies examining the functional consequence of this variant have not been published, to our knowledge. At this time, there is insufficient evidence to determine if this variant is pathogenic or benign. Therefore, we consider this a variant of uncertain significance. ACMG Criteria: BP7, PM2